The following is an entry in ClinVar:

NM_006812.4(OS9):c.43C>G (p.Leu15Val)

Gene: OS9 (OS9 endoplasmic reticulum lectin; plus strand). Cytogenetic location: 12q13.3.
Variant type: single nucleotide variant.
Coding change: c.43C>G on transcript NM_006812.4 (MANE Select); coding-DNA position 43, C replaced by G.
Protein change: p.Leu15Val; replaces leucine 15 with valine.
Molecular consequence: missense variant.
Genome position (GRCh38, 1-based): chr12:57,694,204, C>G. VCF-style: chr12-57694204-C-G. GRCh37 (hg19) VCF-style: chr12-58087987-C-G.
Other names: c.43C>G, p.Leu15Val (NM_001261421.2, NM_001261422.2, NM_001261423.2 and 7 more transcripts); short protein forms L15V.
Identifiers: ClinVar variation 2643145 (VCV002643145.24), dbSNP rs1386262335, ClinGen allele CA385493074.

ClinVar aggregate classification (germline): Uncertain significance (1 of 4 stars; one submission).

gnomAD v4.1: 3 of 1,614,182 alleles (0.00019%); highest among the groups gnomAD compares: Non-Finnish European, 0.000085%; no homozygotes.

Submission:

CeGaT Center for Human Genetics Tuebingen
Classification: Uncertain significance. Last evaluated: 2023-10-01. Review status: criteria provided, single submitter. Criteria: CeGaT Center For Human Genetics Tuebingen Variant Classification Criteria Version 2. Collection method: clinical testing. Allele origin: germline. Affected: yes. Observed: 1 variant allele.
Comment: OS9: PM2, BP4